The following is an entry in ClinVar:

NM_138387.4(G6PC3):c.290T>C (p.Val97Ala)

Gene: G6PC3 (glucose-6-phosphatase catalytic subunit 3; plus strand). Cytogenetic location: 17q21.31.
Variant type: single nucleotide variant.
Coding change: c.290T>C on transcript NM_138387.4 (MANE Select); coding-DNA position 290, T replaced by C.
Protein change: p.Val97Ala; replaces valine 97 with alanine.
Molecular consequence: missense variant. On other transcripts: 5 prime UTR variant (4).
Genome position (GRCh38, 1-based): chr17:44,074,231, T>C. VCF-style: chr17-44074231-T-C. GRCh37 (hg19) VCF-style: chr17-42151599-T-C.
Other names: c.290T>C, p.Val97Ala (NM_001319945.2); c.-56T>C (NM_001384165.1, NM_001384166.1, NM_001384167.1 and 1 more transcripts); short protein forms V97A.
Identifiers: ClinVar variation 4620510 (VCV004620510.1).

ClinVar aggregate classification (germline): Uncertain significance (1 of 4 stars; one submission).

Conditions:
Inborn genetic diseases. Identifiers: MedGen C0950123, MeSH D030342.

Submission:

Ambry Genetics
Classification: Uncertain significance for Inborn genetic diseases. Last evaluated: 2025-11-04. Review status: criteria provided, single submitter. Criteria: Ambry Variant Classification Scheme 2023. Collection method: clinical testing. Allele origin: germline.
Comment: The p.V97A variant (also known as c.290T>C), located in coding exon 2 of the G6PC3 gene, results from a T to C substitution at nucleotide position 290. The valine at codon 97 is replaced by alanine, an amino acid with similar properties. This amino acid position is conserved. In addition, the in silico prediction for this alteration is inconclusive. Based on the available evidence, the clinical significance of this variant remains unclear.